The following is an entry in ClinVar:

ClinVar aggregate classification (germline): Uncertain significance. Review status: criteria provided, multiple submitters, no conflicts (2 of 4 stars). 2 submissions from 2 submitters: Uncertain significance (2). Last evaluated 2025-10-15.

Conditions:
Autoimmune lymphoproliferative syndrome type 2A (ALPS2A). Also called: Autoimmune lymphoproliferative syndrome type 2; CASP10-Related Autoimmune Lymphoproliferative Syndrome; AUTOIMMUNE LYMPHOPROLIFERATIVE SYNDROME, TYPE IIA. Identifiers: Orphanet 3261, MedGen C1858968, MONDO:0011383, OMIM 603909.

gnomAD v4.1: 2 of 1,529,684 alleles (0.00013%); highest among the groups gnomAD compares: Non-Finnish European, 0.00018%; no homozygotes.

Submissions (2):

Women's Health and Genetics/Laboratory Corporation of America, LabCorp
Classification: Uncertain significance. Last evaluated: 2025-10-15. Review status: criteria provided, single submitter. Criteria: LabCorp Variant Classification Summary - May 2015. Collection method: clinical testing. Allele origin: germline.
Comment: Variant summary: CASP10 c.924G>C (p.Glu308Asp) results in a conservative amino acid change in the encoded protein sequence. Algorithms developed to predict the effect of missense changes on protein structure and function all suggest that this variant is likely to be tolerated. Consensus agreement among computation tools predict no significant impact on normal splicing. However, these predictions have yet to be confirmed by functional studies. The variant allele was found at a frequency of 4.2e-06 in 238224 control chromosomes. The available data on variant occurrences in the general population are insufficient to allow any conclusion about variant significance. To our knowledge, no occurrence of c.924G>C in individuals affected with CASP10-related conditions and no experimental evidence demonstrating its impact on protein function have been reported. ClinVar contains an entry for this variant (Variation ID: 1719862). Based on the evidence outlined above, the variant was classified as uncertain significance.

Labcorp Genetics (formerly Invitae), Labcorp
Classification: Uncertain significance for Autoimmune lymphoproliferative syndrome type 2A. Last evaluated: 2025-09-29. Review status: criteria provided, single submitter. Criteria: Invitae Variant Classification Sherloc (09022015). Collection method: clinical testing. Allele origin: germline.
Comment: This sequence change replaces glutamic acid, which is acidic and polar, with aspartic acid, which is acidic and polar, at codon 308 of the CASP10 protein (p.Glu308Asp). This variant is present in population databases (rs778824401, gnomAD 0.0009%). This variant has not been reported in the literature in individuals affected with CASP10-related conditions. ClinVar contains an entry for this variant (Variation ID: 1719862). An algorithm developed to predict the effect of missense changes on protein structure and function outputs the following: PolyPhen-2: "Benign". The aspartic acid amino acid residue is found in multiple mammalian species, which suggests that this missense change does not adversely affect protein function. In summary, the available evidence is currently insufficient to determine the role of this variant in disease. Therefore, it has been classified as a Variant of Uncertain Significance.

NM_032977.4(CASP10):c.924G>C (p.Glu308Asp)

Gene: CASP10 (caspase 10; plus strand). Cytogenetic location: 2q33.1.
Variant type: single nucleotide variant.
Coding change: c.924G>C on transcript NM_032977.4 (MANE Select); coding-DNA position 924, G replaced by C.
Protein change: p.Glu308Asp; replaces glutamic acid 308 with aspartic acid.
Molecular consequence: missense variant. On other transcripts: 3 prime UTR variant (1).
Genome position (GRCh38, 1-based): chr2:201,209,071, G>C. VCF-style: chr2-201209071-G-C. GRCh37 (hg19) VCF-style: chr2-202073794-G-C.
Other names: c.723G>C, p.Glu241Asp (NM_001206524.2); c.795G>C, p.Glu265Asp (NM_001206542.2, NM_001230.5); c.924G>C, p.Glu308Asp (NM_032974.5); c.*10G>C (NM_032976.4); short protein forms E241D, E265D, E308D.
Identifiers: ClinVar variation 1719862 (VCV001719862.6), dbSNP rs778824401, ClinGen allele CA2053144.
Genomic context (GRCh38, chr2:201,209,071, plus strand): 5'-TTATTATTTCCCCTTTCTCTCTCTCTCTCTCTTTTTTTTTTTTTTTTGTTTTTAAACAGA[G>C]ATCCTGAGTCATGTGTTCCAGTGGCTTGGGTTCACAGTGCATATACACAATAATGTGACG-3'
Protein context (NP_116759.2, residues 298-318): KDRQGTHKDA[Glu308Asp]ILSHVFQWLG